The following is an entry in ClinVar:

ClinVar aggregate classification (germline): Likely benign (1 of 4 stars; one submission).

Submission:

GeneDx
Classification: Likely benign. Last evaluated: 2017-09-19. Review status: criteria provided, single submitter. Criteria: GeneDx Variant Classification (06012015). Collection method: clinical testing. Allele origin: germline. Affected: yes.
Comment: This variant is considered likely benign or benign based on one or more of the following criteria: it is a conservative change, it occurs at a poorly conserved position in the protein, it is predicted to be benign by multiple in silico algorithms, and/or has population frequency not consistent with disease.

NM_001110556.2(FLNA):c.6226+9T>C

Gene: FLNA (filamin A; minus strand). Cytogenetic location: Xq28.
Variant type: single nucleotide variant.
Coding change: c.6226+9T>C on transcript NM_001110556.2 (MANE Select); 9 bases into the intron after coding-DNA position 6226, T replaced by C.
Molecular consequence: intron variant.
Genome position (GRCh38, 1-based): chrX:154,352,992, A>G on the plus strand (T>C on the coding strand, the complement: FLNA is on the minus strand). VCF-style: chrX-154352992-A-G. GRCh37 (hg19) VCF-style: chrX-153581360-A-G.
Other names: c.6202+9T>C (NM_001456.4).
Identifiers: ClinVar variation 512185 (VCV000512185.1), dbSNP rs1557176094, ClinGen allele CA658799921.
Genomic context (GRCh38, chrX:154,352,992, plus strand): 5'-ATGGATACCCCTGAGCCTCGGTGCTATGCACAGTGCTCCCGCCCCAGCTGGTGGGCAGCC[A>G]CTGCCTACCTGCATCGCGGGTATCAATGATAAACTCTGCAGGCTCAAAGGTGTGGCCTTC-3'